The following is an entry in ClinVar:

ClinVar aggregate classification (germline): Uncertain significance. Review status: criteria provided, multiple submitters, no conflicts (2 of 4 stars). 8 submissions from 8 submitters: Uncertain significance (7). 1 of the submissions does not count toward it. Last evaluated 2026-06-29.

Conditions:
BBS2-related disorder. Also called: BBS2-related disorders; BBS2-related condition. Identifiers: MedGen CN239228.
Inborn genetic diseases. Identifiers: MedGen C0950123, MeSH D030342.
Bardet-Biedl syndrome (BBS). Identifiers: Orphanet 110, MedGen C0752166, MONDO:0015229.
Bardet-Biedl syndrome 2 (BBS2). Identifiers: Orphanet 110, MedGen C2936863, MONDO:0014432, OMIM 615981.
Retinitis pigmentosa 74 (RP74). Identifiers: Orphanet 791, MedGen C4225281, MONDO:0014692, OMIM 616562.

Allele frequency attached by ClinVar (database versions not stated): ExAC 0.00002; gnomAD exomes 0.00005; gnomAD 0.00006 and 0.00007; TOPMed 0.00012.
gnomAD v4.1: 81 of 1,614,050 alleles (0.005%); highest among the groups gnomAD compares: Admixed American, 0.017%; no homozygotes.

Submissions (9):

PreventionGenetics, part of Exact Sciences
Classification: Uncertain significance for BBS2-related condition. Last evaluated: 2026-06-29. Review status: criteria provided, single submitter. Criteria: ACMG Guidelines, 2015. Collection method: clinical testing. Allele origin: germline.
Comment: The BBS2 c.1527+5G>C variant is predicted to interfere with splicing. This variant is predicted to alter splicing based on available splicing prediction programs (SpliceAI, Jaganathan et al. 2019. PubMed ID: 30661751). However, the use of computer prediction programs is not equivalent to functional evidence. To our knowledge, this variant has not been reported in the literature. This variant is reported in 0.014% of alleles in individuals of Latino descent in gnomAD. At this time, the clinical significance of this variant is uncertain due to the absence of conclusive functional and genetic evidence.

Women's Health and Genetics/Laboratory Corporation of America, LabCorp
Classification: Uncertain significance. Last evaluated: 2024-09-15. Review status: criteria provided, single submitter. Criteria: LabCorp Variant Classification Summary - May 2015. Collection method: clinical testing. Allele origin: germline.

Fulgent Genetics
Classification: Uncertain significance for Bardet-Biedl syndrome 2; Retinitis pigmentosa 74. Last evaluated: 2024-03-16. Review status: criteria provided, single submitter. Criteria: ACMG Guidelines, 2015. Collection method: clinical testing. Allele origin: germline.

Blueprint Genetics
Classification: Uncertain significance. Last evaluated: 2023-12-14. Review status: criteria provided, single submitter. Criteria: ACMG Guidelines, 2015. Collection method: clinical testing. Allele origin: germline.

Labcorp Genetics (formerly Invitae), Labcorp
Classification: Uncertain significance for Bardet-Biedl syndrome. Last evaluated: 2022-06-04. Review status: criteria provided, single submitter. Criteria: Invitae Variant Classification Sherloc (09022015). Collection method: clinical testing. Allele origin: germline.
Comment: This sequence change falls in intron 12 of the BBS2 gene. It does not directly change the encoded amino acid sequence of the BBS2 protein. It affects a nucleotide within the consensus splice site. This variant is present in population databases (rs769041685, gnomAD 0.01%). This variant has not been reported in the literature in individuals affected with BBS2-related conditions. ClinVar contains an entry for this variant (Variation ID: 972444). Variants that disrupt the consensus splice site are a relatively common cause of aberrant splicing (PMID: 17576681, 9536098). Algorithms developed to predict the effect of sequence changes on RNA splicing suggest that this variant may disrupt the consensus splice site. In summary, the available evidence is currently insufficient to determine the role of this variant in disease. Therefore, it has been classified as a Variant of Uncertain Significance.

Ambry Genetics
Classification: Uncertain significance for Inborn genetic diseases. Last evaluated: 2021-08-18. Review status: criteria provided, single submitter. Criteria: Ambry Variant Classification Scheme 2023. Collection method: clinical testing. Allele origin: germline.
Comment: The c.1527+5G>C intronic alteration consists of a G to C substitution 5 nucleotides after exon 12 of the BBS2 gene. Based on insufficient or conflicting evidence, the clinical significance of this alteration remains unclear.

Breakthrough Genomics
Classification: Uncertain significance. Review status: criteria provided, single submitter. Criteria: ACMG Guidelines, 2015. Collection method: not provided. Allele origin: germline. Inheritance: Autosomal recessive inheritance. Affected: yes.

Natera, Inc.
Classification: Uncertain significance for Bardet-Biedl syndrome type 2. Last evaluated: 2020-07-14. Review status: no assertion criteria provided. Collection method: clinical testing. Allele origin: germline. Not counted in ClinVar's aggregate classification.

Dr. Peter K. Rogan Lab, Western University
No classification provided (evidence only). Condition: Cervical cancer. Review status: no classification provided. Collection method: in vitro. Allele origin: not applicable. Functional consequence: retained intron. Not counted in ClinVar's aggregate classification.

Literature cited by the submitters: PubMed 17576681 (cited by Labcorp Genetics (formerly Invitae), Labcorp); PubMed 9536098 (cited by Labcorp Genetics (formerly Invitae), Labcorp).

NM_031885.5(BBS2):c.1527+5G>C

Gene: BBS2 (Bardet-Biedl syndrome 2; minus strand). Cytogenetic location: 16q13.
Variant type: single nucleotide variant.
Coding change: c.1527+5G>C on transcript NM_031885.5 (MANE Select); 5 bases into the intron after coding-DNA position 1527, G replaced by C.
Molecular consequence: intron variant.
Genome position (GRCh38, 1-based): chr16:56,499,773, C>G on the plus strand (G>C on the coding strand, the complement: BBS2 is on the minus strand). VCF-style: chr16-56499773-C-G. GRCh37 (hg19) VCF-style: chr16-56533685-C-G.
Other names: c.1527+5G>C (NM_001377456.1).
Identifiers: ClinVar variation 972444 (VCV000972444.13), dbSNP rs769041685, ClinGen allele CA8065717.
Genomic context (GRCh38, chr16:56,499,773, plus strand): 5'-TATGAAATAACATCTAAAGGATTCTACTGTGTAAAAGCATTGAAAGAGAAAAGCGAGATA[C>G]TCACCCTCTGTGCCCGTTCTGCAATGGTAAAGTTAACATAACTGATTGGCTCACTGGCAG-3'